The following is an entry in ClinVar:

ClinVar aggregate classification (germline): Pathogenic (1 of 4 stars; one submission).

Conditions:
Donnai-Barrow syndrome. Also called: DBS/FOAR SYNDROME; FACIOOCULOACOUSTICORENAL SYNDROME. Identifiers: Orphanet 2143, MedGen C1857277, MONDO:0009104, OMIM 222448.

Submission:

Myriad Genetics, Inc.
Classification: Pathogenic for Donnai-Barrow syndrome. Last evaluated: 2025-08-12. Review status: criteria provided, single submitter. Criteria: Myriad Autosomal Dominant, Autosomal Recessive and X-Linked Classification Criteria (2023). Collection method: clinical testing. Allele origin: unknown.
Comment: NM_004525.2(LRP2):c.4468delA(T1490Pfs*21) is expected to be pathogenic in the context of Donnai-Barrow syndrome. This variant is predicted to lead to an abnormal or absent protein product due to the creation of a premature termination codon in LRP2, a gene where loss-of-function variants are known to be pathogenic. Please note: this variant was assessed in the context of healthy population screening.

NM_004525.3(LRP2):c.4468del (p.Thr1490fs)

Gene: LRP2 (LDL receptor related protein 2; minus strand). Cytogenetic location: 2q31.1.
Variant type: Deletion.
Coding change: c.4468del on transcript NM_004525.3 (MANE Select); coding-DNA position 4468, one base deleted (A; older notation c.4468delA).
Protein change: p.Thr1490fs; shifts the reading frame from threonine 1490.
Molecular consequence: frameshift variant.
Genome position (GRCh38, 1-based): chr2:169,238,129, T deleted on the plus strand (A on the coding strand, the reverse complement: LRP2 is on the minus strand); the first of 4 consecutive T bases (chr2:169,238,129-169,238,132); deleting any one gives the same sequence. VCF-style (leftmost placement, unchanged base first): chr2-169238128-GT-G. GRCh37 (hg19) VCF-style: chr2-170094638-GT-G.
Other names: short protein forms T1490fs.
Identifiers: ClinVar variation 5014859 (VCV005014859.1).